The following is an entry in ClinVar:

ClinVar aggregate classification (germline): Conflicting classifications of pathogenicity. Review status: criteria provided, conflicting classifications (1 of 4 stars). 2 submissions from 2 submitters: Uncertain significance (1); Likely benign (1). Last evaluated 2024-11-12.

Conditions:
RASopathy. Also called: Noonan spectrum disorder; rasopathies. Identifiers: Orphanet 536391, MedGen C5555857, MONDO:0021060.

Submissions (2):

Labcorp Genetics (formerly Invitae), Labcorp
Classification: Uncertain significance for RASopathy. Last evaluated: 2024-11-12. Review status: criteria provided, single submitter. Criteria: Invitae Variant Classification Sherloc (09022015). Collection method: clinical testing. Allele origin: germline.
Comment: This sequence change falls in intron 4 of the MAP2K1 gene. It does not directly change the encoded amino acid sequence of the MAP2K1 protein. This variant is not present in population databases (gnomAD no frequency). This variant has not been reported in the literature in individuals affected with MAP2K1-related conditions. Algorithms developed to predict the effect of sequence changes on RNA splicing suggest that this variant may disrupt the consensus splice site. In summary, the available evidence is currently insufficient to determine the role of this variant in disease. Therefore, it has been classified as a Variant of Uncertain Significance.

Blueprint Genetics
Classification: Likely benign. Last evaluated: 2023-02-20. Review status: criteria provided, single submitter. Criteria: ACMG Guidelines, 2015. Collection method: clinical testing. Allele origin: germline.

NM_002755.4(MAP2K1):c.516+3_516+10dup

Gene: MAP2K1 (mitogen-activated protein kinase kinase 1; plus strand). Cytogenetic location: 15q22.31.
Variant type: Duplication.
Coding change: c.516+3_516+10dup on transcript NM_002755.4 (MANE Select); bases 3 to 10 of the intron after coding-DNA position 516, 8 bases duplicated (GAGTATGT; older notation c.516+3_516+10dupGAGTATGT).
Molecular consequence: splice donor variant. On other transcripts: intron variant (1).
Genome position (GRCh38, 1-based): chr15:66,443,360-66,443,367, GAGTATGT duplicated; duplicating any 8 consecutive bases within chr15:66,443,357-66,443,367 gives the same sequence; the c. name uses the placement nearest the transcript's 3' end. VCF-style (leftmost placement, unchanged base first): chr15-66443356-C-CTGTGAGTA. GRCh37 (hg19) VCF-style: chr15-66735694-C-CTGTGAGTA.
Other names: c.373-1296_373-1289dup (NM_001411065.1).
Identifiers: ClinVar variation 3620367 (VCV003620367.3).